The following is an entry in ClinVar:

ClinVar aggregate classification (germline): Uncertain significance. Review status: criteria provided, multiple submitters, no conflicts (2 of 4 stars). 5 submissions from 5 submitters: Uncertain significance (5). Last evaluated 2026-08-31.

Conditions:
PLEC-related disorder. Also called: PLEC-related condition; PLEC-related disorders.
Epidermolysis bullosa simplex with nail dystrophy (EBS5D). Identifiers: MedGen C4225309, MONDO:0014661, OMIM 616487.
Epidermolysis bullosa simplex, Ogna type (EBS5A). Also called: Pidermolysis bullosa simplex 5A, Ogna type; EPIDERMOLYSIS BULLOSA SIMPLEX 5A, OGNA TYPE. Identifiers: Orphanet 79401, MedGen C0432317, MONDO:0007555, OMIM 131950.
Epidermolysis bullosa simplex 5C, with pyloric atresia (EBS5C). Also called: PLEC-Related Epidermolysis Bullosa with Pyloric Atresia; Epidermolysis bullosa simplex with pyloric atresia; PLEC1-Related Epidermolysis Bullosa with Pyloric Atresia. Identifiers: Orphanet 158684, MedGen C2677349, MONDO:0012807, OMIM 612138.
Autosomal recessive limb-girdle muscular dystrophy type 2Q (LGMDR17). Also called: MUSCULAR DYSTROPHY, LIMB-GIRDLE, AUTOSOMAL RECESSIVE 17. Identifiers: Orphanet 254361, MedGen C3150989, MONDO:0013390, OMIM 613723.
Epidermolysis bullosa simplex 5B, with muscular dystrophy (EBS5B). Also called: Epidermolysis bullosa simplex with muscular dystrophy; EPIDERMOLYSIS BULLOSA SIMPLEX AND LIMB-GIRDLE MUSCULAR DYSTROPHY. Identifiers: Orphanet 257, MedGen C2931072, MONDO:0009181, OMIM 226670.
Inborn genetic diseases. Identifiers: MedGen C0950123, MeSH D030342.

Allele frequency attached by ClinVar (database versions not stated): gnomAD 0.00004; TOPMed 0.00005; gnomAD exomes 0.00006.
gnomAD v4.1: 98 of 1,602,542 alleles (0.0061%); highest among the groups gnomAD compares: Non-Finnish European, 0.0077%; no homozygotes.

Submissions (5):

PreventionGenetics, part of Exact Sciences
Classification: Uncertain significance for PLEC-related condition. Last evaluated: 2026-08-31. Review status: criteria provided, single submitter. Criteria: ACMG Guidelines, 2015. Collection method: clinical testing. Allele origin: germline.
Comment: The PLEC c.6850C>T variant is predicted to result in the amino acid substitution p.Arg2284Cys. To our knowledge, this variant has not been reported in the literature. This variant is reported in 0.0054% of alleles in individuals of European (Finnish) descent in gnomAD. At this time, the clinical significance of this variant is uncertain due to the absence of conclusive functional and genetic evidence.

Mayo Clinic Laboratories, Mayo Clinic
Classification: Uncertain significance. Last evaluated: 2025-10-21. Review status: criteria provided, single submitter. Criteria: ACMG Guidelines, 2015. Collection method: clinical testing. Allele origin: germline. Observed: 1 variant allele.

Ambry Genetics
Classification: Uncertain significance for Inborn genetic diseases. Last evaluated: 2025-08-19. Review status: criteria provided, single submitter. Criteria: Ambry Variant Classification Scheme 2023. Collection method: clinical testing. Allele origin: germline.

Labcorp Genetics (formerly Invitae), Labcorp
Classification: Uncertain significance for Autosomal recessive limb-girdle muscular dystrophy type 2Q; Epidermolysis bullosa simplex, Ogna type; Epidermolysis bullosa simplex with nail dystrophy; Epidermolysis bullosa simplex 5C, with pyloric atresia; Epidermolysis bullosa simplex 5B, with muscular dystrophy. Last evaluated: 2025-06-04. Review status: criteria provided, single submitter. Criteria: Invitae Variant Classification Sherloc (09022015). Collection method: clinical testing. Allele origin: germline.
Comment: This sequence change replaces arginine, which is basic and polar, with cysteine, which is neutral and slightly polar, at codon 2284 of the PLEC protein (p.Arg2284Cys). This variant is present in population databases (no rsID available, gnomAD 0.005%). This variant has not been reported in the literature in individuals affected with PLEC-related conditions. ClinVar contains an entry for this variant (Variation ID: 2435055). An algorithm developed to predict the effect of missense changes on protein structure and function (PolyPhen-2) suggests that this variant is likely to be disruptive. In summary, the available evidence is currently insufficient to determine the role of this variant in disease. Therefore, it has been classified as a Variant of Uncertain Significance.

Revvity Omics, Revvity
Classification: Uncertain significance. Last evaluated: 2019-10-30. Review status: criteria provided, single submitter. Criteria: ACMG Guidelines, 2015. Collection method: clinical testing. Allele origin: germline.

NM_201384.3(PLEC):c.6769C>T (p.Arg2257Cys)

Gene: PLEC (plectin; minus strand). Cytogenetic location: 8q24.3.
Variant type: single nucleotide variant.
Coding change: c.6769C>T on transcript NM_201384.3 (MANE Select); coding-DNA position 6769, C replaced by T.
Protein change: p.Arg2257Cys; replaces arginine 2257 with cysteine.
Molecular consequence: missense variant.
Genome position (GRCh38, 1-based): chr8:143,923,160, G>A on the plus strand (C>T on the coding strand, the complement: PLEC is on the minus strand). VCF-style: chr8-143923160-G-A. GRCh37 (hg19) VCF-style: chr8-144997328-G-A.
Other names: p.Arg2284Cys; c.6850C>T, p.Arg2284Cys (NM_000445.5); c.6727C>T, p.Arg2243Cys (NM_201378.4); c.6703C>T, p.Arg2235Cys (NM_201379.3); c.7180C>T, p.Arg2394Cys (NM_201380.4); c.6673C>T, p.Arg2225Cys (NM_201381.3); c.6769C>T, p.Arg2257Cys (NM_201382.4); c.6781C>T, p.Arg2261Cys (NM_201383.3); and 1 more; short protein forms R2225C, R2235C, R2243C, R2257C, R2261C, R2284C, R2394C.
Identifiers: ClinVar variation 2435055 (VCV002435055.10), dbSNP rs782680911, ClinGen allele CA372532619.
Genomic context (GRCh38, chr8:143,923,160, plus strand): 5'-CCACCTGCTTCATCTTCTCAGCCTCCTCCTGCAGGAAGCGCTGCGTATTGTCCTTGTCAC[G>A]CAAGATGAGTGCGCGGTTCTCAGCCTCGATGCGTGCCTTGAGCTTGCTCAGCTCCTCCAT-3'
Protein context (NP_958786.1, residues 2247-2267): IEAENRALIL[Arg2257Cys]DKDNTQRFLQ